The following is an entry in ClinVar:

NM_000066.4(C8B):c.1142dup (p.Asn381fs)

Gene: C8B (complement C8 beta chain; minus strand). Cytogenetic location: 1p32.2.
Variant type: Duplication.
Coding change: c.1142dup on transcript NM_000066.4 (MANE Select); coding-DNA position 1142, one base duplicated (A; older notation c.1142dupA).
Protein change: p.Asn381fs; shifts the reading frame from asparagine 381.
Molecular consequence: frameshift variant.
Genome position (GRCh38, 1-based): chr1:56,943,788, T duplicated on the plus strand (A on the coding strand, the reverse complement: C8B is on the minus strand); the first of 5 consecutive T bases (chr1:56,943,788-56,943,792); duplicating any one gives the same sequence. VCF-style (leftmost placement, unchanged base first): chr1-56943787-A-AT. GRCh37 (hg19) VCF-style: chr1-57409460-A-AT.
Other names: c.986dup, p.Asn329fs (NM_001278543.2); c.956dup, p.Asn319fs (NM_001278544.2); short protein forms N329fs, N381fs, N319fs.
Identifiers: ClinVar variation 2747900 (VCV002747900.3), dbSNP rs1467702188, ClinGen allele CA737188947.

ClinVar aggregate classification (germline): Pathogenic (1 of 4 stars; one submission).

Submission:

Labcorp Genetics (formerly Invitae), Labcorp
Classification: Pathogenic. Last evaluated: 2023-07-28. Review status: criteria provided, single submitter. Criteria: Invitae Variant Classification Sherloc (09022015). Collection method: clinical testing. Allele origin: germline.
Comment: For these reasons, this variant has been classified as Pathogenic. This variant has not been reported in the literature in individuals affected with C8B-related conditions. This variant is not present in population databases (gnomAD no frequency). This sequence change creates a premature translational stop signal (p.Asn381Lysfs*2) in the C8B gene. It is expected to result in an absent or disrupted protein product. Loss-of-function variants in C8B are known to be pathogenic (PMID: 7594510).

Literature cited by the submitters: PubMed 7594510.